The following is an entry in ClinVar:

NM_020719.3(PRR12):c.790C>T (p.Gln264Ter)

Gene: PRR12 (proline rich 12; plus strand). Cytogenetic location: 19q13.33.
Variant type: single nucleotide variant.
Coding change: c.790C>T on transcript NM_020719.3 (MANE Select); coding-DNA position 790, C replaced by T.
Protein change: p.Gln264Ter; replaces glutamine 264 with a stop codon.
Molecular consequence: nonsense.
Genome position (GRCh38, 1-based): chr19:49,595,125, C>T. VCF-style: chr19-49595125-C-T. GRCh37 (hg19) VCF-style: chr19-50098382-C-T.
Other names: short protein forms Q264*.
Identifiers: ClinVar variation 1013597 (VCV001013597.2), dbSNP rs2080756986, ClinGen allele CA406857281.
Genomic context (GRCh38, chr19:49,595,125, plus strand): 5'-CAGTTCAACCTGCTGGCTTCCTCTTCCGCTGCCGCCGCCGCTGCCGAGCAGTCCTCCCCA[C>T]AGCTCTATAACTTCTCGGGTGCTGCCCCGGGCCCACCGCCGCCTGAGCGGGCCCTGCCAC-3'

ClinVar aggregate classification (germline): Pathogenic. Review status: criteria provided, multiple submitters, no conflicts (2 of 4 stars). 2 submissions from 2 submitters: Pathogenic (2). Last evaluated 2022-03-18.

Conditions:
Neuroocular syndrome. Identifiers: MedGen C5551362, MONDO:0859193.

Submissions (2):

SIB Swiss Institute of Bioinformatics
Classification: Pathogenic for Neuroocular syndrome 1. Last evaluated: 2022-03-18. Review status: criteria provided, single submitter. Criteria: ACMG Guidelines, 2015. Collection method: curation. Allele origin: unknown.
Comment: This variant is interpreted as pathogenic for Neuroocular syndrome, autosomal dominant. The following ACMG Tag(s) were applied: Absent from controls (or at extremely low frequency if recessive) in Exome Sequencing Project, 1000 Genomes Project, or Exome Aggregation Consortium (PM2); De novo with paternity and maternity confirmed (PS2); Predicted nullvariant in a gene where LOF is a known mechanism of disease (PVS1 downgraded to strong).

GeneDx
Classification: Pathogenic. Last evaluated: 2021-01-06. Review status: criteria provided, single submitter. Criteria: GeneDx Variant Classification (06012015). Collection method: clinical testing. Allele origin: germline. Affected: yes.
Comment: Observed as a de novo variant in internal GeneDx whole exome sequencing data in association with developmental delay, hypotonia, and poor growth. Not observed in large population cohorts (Lek et al., 2016). Nonsense variant predicted to result in protein truncation or nonsense mediated decay in a gene for which loss-of-function is a known mechanism of disease. We interpret Q264X as a pathogenic variant.

Literature cited by the submitters: PubMed 33824499 (cited by SIB Swiss Institute of Bioinformatics).